The following is an entry in ClinVar:

NM_015178.3(RHOBTB2):c.727A>G (p.Ile243Val)

Gene: RHOBTB2 (Rho related BTB domain containing 2; plus strand). Cytogenetic location: 8p21.3.
Variant type: single nucleotide variant.
Coding change: c.727A>G on transcript NM_015178.3 (MANE Select); coding-DNA position 727, A replaced by G.
Protein change: p.Ile243Val; replaces isoleucine 243 with valine.
Molecular consequence: missense variant.
Genome position (GRCh38, 1-based): chr8:23,006,972, A>G. VCF-style: chr8-23006972-A-G. GRCh37 (hg19) VCF-style: chr8-22864485-A-G.
Other names: c.793A>G, p.Ile265Val (NM_001160036.2); c.748A>G, p.Ile250Val (NM_001160037.2); c.727A>G, p.Ile243Val (NM_001374791.1); short protein forms I265V, I250V, I243V.
Identifiers: ClinVar variation 1366396 (VCV001366396.8), dbSNP rs750655681, ClinGen allele CA4672521.
Genomic context (GRCh38, chr8:23,006,972, plus strand): 5'-AATGTGCAGCGGCCTCTGCTGCAGGCACCCTTCCTACCCCCCAAGCCACCGCCCCCGATC[A>G]TCGTGGTGCCCGACCCTCCCTCCAGCAGCGAGGAGTGCCCCGCCCACCTCCTGGAGGACC-3'
Protein context (NP_055993.2, residues 233-253): FLPPKPPPPI[Ile243Val]VVPDPPSSSE

ClinVar aggregate classification (germline): Uncertain significance (1 of 4 stars; one submission).

Allele frequency attached by ClinVar (database versions not stated): gnomAD exomes below 0.00001 and 0.00001; ExAC 0.00001; gnomAD 0.00001; TOPMed 0.00001.
gnomAD v4.1: 9 of 1,610,486 alleles (0.00056%); highest among the groups gnomAD compares: Non-Finnish European, 0.00076%; no homozygotes.

Submission:

Labcorp Genetics (formerly Invitae), Labcorp
Classification: Uncertain significance. Last evaluated: 2022-03-18. Review status: criteria provided, single submitter. Criteria: Invitae Variant Classification Sherloc (09022015). Collection method: clinical testing. Allele origin: germline.
Comment: Algorithms developed to predict the effect of missense changes on protein structure and function (SIFT, PolyPhen-2, Align-GVGD) all suggest that this variant is likely to be tolerated. This variant has not been reported in the literature in individuals affected with RHOBTB2-related conditions. This variant is present in population databases (rs750655681, gnomAD 0.0009%). This sequence change replaces isoleucine, which is neutral and non-polar, with valine, which is neutral and non-polar, at codon 265 of the RHOBTB2 protein (p.Ile265Val). In summary, the available evidence is currently insufficient to determine the role of this variant in disease. Therefore, it has been classified as a Variant of Uncertain Significance.